The following is an entry in ClinVar:

NM_182914.3(SYNE2):c.6746G>A (p.Arg2249Gln)

Gene: SYNE2 (spectrin repeat containing nuclear envelope protein 2; plus strand). Cytogenetic location: 14q23.2.
Variant type: single nucleotide variant.
Coding change: c.6746G>A on transcript NM_182914.3 (MANE Select); coding-DNA position 6746, G replaced by A.
Protein change: p.Arg2249Gln; replaces arginine 2249 with glutamine.
Molecular consequence: missense variant.
Genome position (GRCh38, 1-based): chr14:64,029,926, G>A. VCF-style: chr14-64029926-G-A. GRCh37 (hg19) VCF-style: chr14-64496644-G-A.
Other names: c.6746G>A, p.Arg2249Gln (NM_015180.6); short protein forms R2249Q.
Identifiers: ClinVar variation 538326 (VCV000538326.13), dbSNP rs764036360, ClinGen allele CA7220775.
Genomic context (GRCh38, chr14:64,029,926, plus strand): 5'-TTGTAAATTGTCTGTGGCTTTATTTTTAGGATTCTGTGCAAAACTTGGACGGTCACGTTC[G>A]AGAACATGATTCATACCAGGTTTGCGTCACAGACCTGAATACTACATTGGACAATTTCTC-3'
Protein context (NP_878918.2, residues 2239-2259): DSVQNLDGHV[Arg2249Gln]EHDSYQVCVT

ClinVar aggregate classification (germline): Conflicting classifications of pathogenicity. Review status: criteria provided, conflicting classifications (1 of 4 stars). 3 submissions from 3 submitters: Uncertain significance (1); Likely benign (2). Last evaluated 2025-08-18.

Conditions:
Emery-Dreifuss muscular dystrophy 5, autosomal dominant (EDMD5). Also called: EMERY-DREIFUSS MUSCULAR DYSTROPHY 5. Identifiers: Orphanet 261, MedGen C2751805, MONDO:0013072, OMIM 612999.

Allele frequency attached by ClinVar (database versions not stated): gnomAD 0.00002; gnomAD exomes 0.00002; TOPMed 0.00002; ExAC 0.00003.
gnomAD v4.1: 39 of 1,613,914 alleles (0.0024%); highest among the groups gnomAD compares: Middle Eastern, 0.033%; 1 homozygote.

Submissions (3):

Labcorp Genetics (formerly Invitae), Labcorp
Classification: Uncertain significance for Emery-Dreifuss muscular dystrophy 5, autosomal dominant. Last evaluated: 2025-08-18. Review status: criteria provided, single submitter. Criteria: Invitae Variant Classification Sherloc (09022015). Collection method: clinical testing. Allele origin: germline.
Comment: This sequence change replaces arginine, which is basic and polar, with glutamine, which is neutral and polar, at codon 2249 of the SYNE2 protein (p.Arg2249Gln). This variant is present in population databases (rs764036360, gnomAD 0.006%). This variant has not been reported in the literature in individuals affected with SYNE2-related conditions. ClinVar contains an entry for this variant (Variation ID: 538326). An algorithm developed to predict the effect of missense changes on protein structure and function outputs the following: PolyPhen-2: "Benign". The glutamine amino acid residue is found in multiple mammalian species, which suggests that this missense change does not adversely affect protein function. In summary, the available evidence is currently insufficient to determine the role of this variant in disease. Therefore, it has been classified as a Variant of Uncertain Significance.

Revvity Omics, Revvity
Classification: Likely benign for Emery-Dreifuss muscular dystrophy 5, autosomal dominant. Last evaluated: 2023-09-07. Review status: criteria provided, single submitter. Criteria: ACMG Guidelines, 2015. Collection method: clinical testing. Allele origin: germline.

Ambry Genetics
Classification: Likely benign. Last evaluated: 2022-01-26. Review status: criteria provided, single submitter. Criteria: Ambry Variant Classification Scheme 2023. Collection method: clinical testing. Allele origin: germline.